The following is an entry in ClinVar:

ClinVar aggregate classification (germline): Uncertain significance (1 of 4 stars; one submission).

Conditions:
Inborn genetic diseases. Identifiers: MedGen C0950123, MeSH D030342.

Submission:

Ambry Genetics
Classification: Uncertain significance for Inborn genetic diseases. Last evaluated: 2021-09-21. Review status: criteria provided, single submitter. Criteria: Ambry Variant Classification Scheme 2023. Collection method: clinical testing. Allele origin: germline.
Comment: The c.19_27delGAGCTCCTG (p.E7_L9del) alteration, located in coding exon 1 of the GABRB3 gene, results from an in-frame deletion of 9 nucleotides at positions c.19 to c.27. This results in the deletion of 3 amino acids between codons 7 and 9. This variant was not reported in population-based cohorts in the Genome Aggregation Database (gnomAD). These amino acid positions are not well conserved on limited species alignment. This alteration is predicted to be neutral by in silico analysis (Choi, 2012). Based on insufficient or conflicting evidence, the clinical significance of this alteration remains unclear.

NM_021912.5(GABRB3):c.19_27del (p.Glu7_Leu9del)

Gene: GABRB3 (gamma-aminobutyric acid type A receptor subunit beta3; minus strand). Cytogenetic location: 15q12.
Variant type: Deletion.
Coding change: c.19_27del on transcript NM_021912.5; coding-DNA positions 19 to 27, 9 bases deleted (GAGCTCCTG; older notation c.19_27delGAGCTCCTG).
Protein change: p.Glu7_Leu9del.
Molecular consequence: inframe deletion.
Genome position (GRCh38, 1-based): chr15:26,773,698-26,773,706, CAGGAGCTC deleted on the plus strand (GAGCTCCTG on the coding strand, the reverse complement: GABRB3 is on the minus strand); deleting any 9 consecutive bases within chr15:26,773,698-26,773,713 gives the same sequence; the c. name uses the placement nearest the transcript's 3' end. VCF-style (leftmost placement, unchanged base first): chr15-26773697-GCAGGAGCTC-G. GRCh37 (hg19) VCF-style: chr15-27018844-GCAGGAGCTC-G.
Identifiers: ClinVar variation 2248146 (VCV002248146.2), dbSNP rs1410708897, ClinGen allele CA2575652151.